The following is an entry in ClinVar:

ClinVar aggregate classification (germline): Uncertain significance. Review status: criteria provided, single submitter (1 of 4 stars). 2 submissions from 2 submitters: Uncertain significance (1). 1 of the submissions does not count toward it. Last evaluated 2022-01-13.

Conditions:
NPC1-related disorder. Also called: NPC1-related condition.
Niemann-Pick disease, type C1. Also called: NIEMANN-PICK DISEASE, VARIANT TYPE C1; NEUROVISCERAL STORAGE DISEASE WITH VERTICAL SUPRANUCLEAR OPHTHALMOPLEGIA; NIEMANN-PICK DISEASE WITH CHOLESTEROL ESTERIFICATION BLOCK; NIEMANN-PICK DISEASE WITHOUT SPHINGOMYELINASE DEFICIENCY; NIEMANN-PICK DISEASE, CHRONIC NEURONOPATHIC FORM. Identifiers: Orphanet 646, MedGen C3179455, MONDO:0009757, OMIM 257220.

Submissions (2):

Labcorp Genetics (formerly Invitae), Labcorp
Classification: Uncertain significance for Niemann-Pick disease, type C1. Last evaluated: 2022-01-13. Review status: criteria provided, single submitter. Criteria: Invitae Variant Classification Sherloc (09022015). Collection method: clinical testing. Allele origin: germline.
Comment: This variant has not been reported in the literature in individuals affected with NPC1-related conditions. In summary, the available evidence is currently insufficient to determine the role of this variant in disease. Therefore, it has been classified as a Variant of Uncertain Significance. Advanced modeling of protein sequence and biophysical properties (such as structural, functional, and spatial information, amino acid conservation, physicochemical variation, residue mobility, and thermodynamic stability) performed at Invitae indicates that this missense variant is not expected to disrupt NPC1 protein function. This variant is not present in population databases (gnomAD no frequency). This sequence change replaces valine, which is neutral and non-polar, with leucine, which is neutral and non-polar, at codon 299 of the NPC1 protein (p.Val299Leu).

PreventionGenetics, part of Exact Sciences
Classification: Likely benign for NPC1-related condition. Last evaluated: 2022-04-06. Review status: no assertion criteria provided. Collection method: clinical testing. Allele origin: germline. Not counted in ClinVar's aggregate classification.
Comment: This variant is classified as likely benign based on ACMG/AMP sequence variant interpretation guidelines (Richards et al. 2015 PMID: 25741868, with internal and published modifications).

NM_000271.5(NPC1):c.895G>C (p.Val299Leu)

Gene: NPC1 (NPC intracellular cholesterol transporter 1; minus strand). Cytogenetic location: 18q11.2.
Variant type: single nucleotide variant.
Coding change: c.895G>C on transcript NM_000271.5 (MANE Select); coding-DNA position 895, G replaced by C.
Protein change: p.Val299Leu; replaces valine 299 with leucine.
Molecular consequence: missense variant.
Genome position (GRCh38, 1-based): chr18:23,557,177, C>G on the plus strand (G>C on the coding strand, the complement: NPC1 is on the minus strand). VCF-style: chr18-23557177-C-G. GRCh37 (hg19) VCF-style: chr18-21137141-C-G.
Other names: c.895G>C (NM_000271.4); short protein forms V299L.
Identifiers: ClinVar variation 1435033 (VCV001435033.8), dbSNP rs1032415844, ClinGen allele CA297070161.
Genomic context (GRCh38, chr18:23,557,177, plus strand): 5'-CTTTGTCACTTGCATTAACAGAAAAAGCTATATTGCTATCGATGGGAGTGTACTCGGAGA[C>G]AAAATACCGTTTTCTGAAAAACAGAAGTGAAGAAATAGCATTAGTGGACTTCATCACAGT-3'
Protein context (NP_000262.2, residues 289-309): AVWCYRKRYF[Val299Leu]SEYTPIDSNI